The following is an entry in ClinVar:

ClinVar aggregate classification (germline): Uncertain significance (1 of 4 stars; one submission).

gnomAD v4.1: 15 of 1,613,566 alleles (0.00093%); highest among the groups gnomAD compares: Admixed American, 0.005%; no homozygotes.

Submission:

Labcorp Genetics (formerly Invitae), Labcorp
Classification: Uncertain significance. Last evaluated: 2025-05-04. Review status: criteria provided, single submitter. Criteria: Invitae Variant Classification Sherloc (09022015). Collection method: clinical testing. Allele origin: germline.
Comment: This sequence change replaces arginine, which is basic and polar, with cysteine, which is neutral and slightly polar, at codon 42 of the CLCN2 protein (p.Arg42Cys). This variant is present in population databases (rs760164094, gnomAD 0.009%). This variant has not been reported in the literature in individuals affected with CLCN2-related conditions. Invitae Evidence Modeling of protein sequence and biophysical properties (such as structural, functional, and spatial information, amino acid conservation, physicochemical variation, residue mobility, and thermodynamic stability) indicates that this missense variant is not expected to disrupt CLCN2 protein function with a negative predictive value of 80%. In summary, the available evidence is currently insufficient to determine the role of this variant in disease. Therefore, it has been classified as a Variant of Uncertain Significance.

NM_004366.6(CLCN2):c.124C>T (p.Arg42Cys)

Gene: CLCN2 (chloride voltage-gated channel 2; minus strand). Cytogenetic location: 3q27.1.
Variant type: single nucleotide variant.
Coding change: c.124C>T on transcript NM_004366.6 (MANE Select); coding-DNA position 124, C replaced by T.
Protein change: p.Arg42Cys; replaces arginine 42 with cysteine.
Molecular consequence: missense variant.
Genome position (GRCh38, 1-based): chr3:184,359,071, G>A on the plus strand (C>T on the coding strand, the complement: CLCN2 is on the minus strand). VCF-style: chr3-184359071-G-A. GRCh37 (hg19) VCF-style: chr3-184076859-G-A.
Other names: c.124C>T, p.Arg42Cys (NM_001171089.3, NM_001171087.3, NM_001171088.3); short protein forms R42C.
Identifiers: ClinVar variation 4781646 (VCV004781646.1).